The following is an entry in ClinVar:

ClinVar aggregate classification (germline): Likely benign. Review status: criteria provided, multiple submitters, no conflicts (2 of 4 stars). 3 submissions from 3 submitters: Likely benign (2). 1 of the submissions does not count toward it. Last evaluated 2026-01-05.

Conditions:
BLM-related disorder. Also called: BLM-related condition.
Bloom syndrome (BLM). Also called: Bloom-Torre-Machacek syndrome. Identifiers: Orphanet 125, MedGen C0005859, MONDO:0008876, OMIM 210900.

Allele frequency attached by ClinVar (database versions not stated): gnomAD 0.00001; gnomAD exomes 0.00001 and 0.00002; TOPMed 0.00001; ExAC 0.00001.

Submissions (3):

Labcorp Genetics (formerly Invitae), Labcorp
Classification: Likely benign for Bloom syndrome. Last evaluated: 2026-01-05. Review status: criteria provided, single submitter. Criteria: Invitae Variant Classification Sherloc (09022015). Collection method: clinical testing. Allele origin: germline.

Blueprint Genetics
Classification: Likely benign. Last evaluated: 2024-03-26. Review status: criteria provided, single submitter. Criteria: ACMG Guidelines, 2015. Collection method: clinical testing. Allele origin: germline.

PreventionGenetics, part of Exact Sciences
Classification: Likely benign for BLM-related condition. Last evaluated: 2023-09-21. Review status: no assertion criteria provided. Collection method: clinical testing. Allele origin: germline. Not counted in ClinVar's aggregate classification.
Comment: This variant is classified as likely benign based on ACMG/AMP sequence variant interpretation guidelines (Richards et al. 2015 PMID: 25741868, with internal and published modifications).

NM_000057.4(BLM):c.3210+10G>T

Gene: BLM (BLM RecQ like helicase; plus strand). Cytogenetic location: 15q26.1.
Variant type: single nucleotide variant.
Coding change: c.3210+10G>T on transcript NM_000057.4 (MANE Select); 10 bases into the intron after coding-DNA position 3210, G replaced by T.
Molecular consequence: intron variant.
Genome position (GRCh38, 1-based): chr15:90,794,367, G>T. VCF-style: chr15-90794367-G-T. GRCh37 (hg19) VCF-style: chr15-91337597-G-T.
Other names: c.3210+10G>T (NM_001287246.2, NM_001287247.2); c.2085+10G>T (NM_001287248.2).
Identifiers: ClinVar variation 524831 (VCV000524831.14), dbSNP rs765057634, ClinGen allele CA7738954.